The following is an entry in ClinVar:

ClinVar aggregate classification (germline): Uncertain significance. Review status: criteria provided, multiple submitters, no conflicts (2 of 4 stars). 4 submissions from 4 submitters: Uncertain significance (4). Last evaluated 2025-12-25.

Conditions:
Inborn genetic diseases. Identifiers: MedGen C0950123, MeSH D030342.

Allele frequency attached by ClinVar (database versions not stated): gnomAD exomes 0.00003; ExAC 0.00005; TOPMed 0.00012; gnomAD 0.00017 and 0.00019; 1000 Genomes Project 0.00020; 1000 Genomes Project 30x 0.00047.
gnomAD v4.1: 68 of 1,557,304 alleles (0.0044%); highest among the groups gnomAD compares: African/African-American, 0.066%; no homozygotes.

Submissions (4):

Labcorp Genetics (formerly Invitae), Labcorp
Classification: Uncertain significance. Last evaluated: 2025-12-25. Review status: criteria provided, single submitter. Criteria: Invitae Variant Classification Sherloc (09022015). Collection method: clinical testing. Allele origin: germline.
Comment: This sequence change replaces serine, which is neutral and polar, with cysteine, which is neutral and slightly polar, at codon 580 of the TNFRSF11A protein (p.Ser580Cys). This variant is present in population databases (rs564197502, gnomAD 0.03%). This variant has not been reported in the literature in individuals affected with TNFRSF11A-related conditions. ClinVar contains an entry for this variant (Variation ID: 1350145). An algorithm developed to predict the effect of missense changes on protein structure and function (PolyPhen-2) suggests that this variant is likely to be disruptive. In summary, the available evidence is currently insufficient to determine the role of this variant in disease. Therefore, it has been classified as a Variant of Uncertain Significance.

Women's Health and Genetics/Laboratory Corporation of America, LabCorp
Classification: Uncertain significance. Last evaluated: 2024-12-02. Review status: criteria provided, single submitter. Criteria: LabCorp Variant Classification Summary - May 2015. Collection method: clinical testing. Allele origin: germline.
Comment: Variant summary: TNFRSF11A c.1739C>G (p.Ser580Cys) results in a non-conservative amino acid change in the encoded protein sequence. Three of five in-silico tools predict a damaging effect of the variant on protein function. The variant allele was found at a frequency of 2.6e-05 in 154652 control chromosomes. The available data on variant occurrences in the general population are insufficient to allow any conclusion about variant significance. To our knowledge, no occurrence of c.1739C>G in individuals affected with Osteopetrosis and no experimental evidence demonstrating its impact on protein function have been reported. ClinVar contains an entry for this variant (Variation ID: 1350145). Based on the evidence outlined above, the variant was classified as uncertain significance.

Ambry Genetics
Classification: Uncertain significance for Inborn genetic diseases. Last evaluated: 2021-05-21. Review status: criteria provided, single submitter. Criteria: Ambry Variant Classification Scheme 2023. Collection method: clinical testing. Allele origin: germline.

Breakthrough Genomics
Classification: Uncertain significance. Review status: criteria provided, single submitter. Criteria: ACMG Guidelines, 2015. Collection method: not provided. Allele origin: germline. Inheritance: Autosomal recessive inheritance. Affected: yes.

NM_003839.4(TNFRSF11A):c.1739C>G (p.Ser580Cys)

Gene: TNFRSF11A (TNF receptor superfamily member 11a; plus strand). Cytogenetic location: 18q21.33.
Variant type: single nucleotide variant.
Coding change: c.1739C>G on transcript NM_003839.4 (MANE Select); coding-DNA position 1739, C replaced by G.
Protein change: p.Ser580Cys; replaces serine 580 with cysteine.
Molecular consequence: missense variant. On other transcripts: 3 prime UTR variant (1).
Genome position (GRCh38, 1-based): chr18:62,384,922, C>G. VCF-style: chr18-62384922-C-G. GRCh37 (hg19) VCF-style: chr18-60052155-C-G.
Other names: c.*163C>G (NM_001270949.2); c.902C>G, p.Ser301Cys (NM_001270950.2); c.788C>G, p.Ser263Cys (NM_001270951.2); c.1697C>G, p.Ser566Cys (NM_001278268.2); c.1739C>G (NM_003839.2); short protein forms S301C, S566C, S580C, S263C.
Identifiers: ClinVar variation 1350145 (VCV001350145.11), dbSNP rs564197502, ClinGen allele CA8984046.